The following is an entry in ClinVar:

ClinVar aggregate classification (germline): Likely pathogenic (1 of 4 stars; one submission).

Conditions:
Hereditary cancer-predisposing syndrome. Also called: Tumor predisposition; Hereditary Cancer Syndrome; Neoplastic Syndromes, Hereditary; Hereditary neoplastic syndrome. Identifiers: Orphanet 140162, MedGen C0027672, MeSH D009386, MONDO:0015356.

Submission:

Ambry Genetics
Classification: Likely pathogenic for Hereditary cancer-predisposing syndrome. Last evaluated: 2024-02-15. Review status: criteria provided, single submitter. Criteria: Ambry Variant Classification Scheme 2023. Collection method: clinical testing. Allele origin: germline.
Comment: The c.26_27delAG variant, located in coding exon 1 of the XRCC2 gene, results from a deletion of two nucleotides at nucleotide positions 26 to 27, causing a translational frameshift with a predicted alternate stop codon (p.E9Vfs*10). The predicted stop codon occurs in the 5&rsquo; end of theXRCC2 gene. Premature termination codons in the 5&rsquo; end of a gene have been reported to escape nonsense-mediated mRNAdecay and/or lead to re-initiation (Rivas et al. Science. 2015 May 8;348(6235):666-9; Lindeboom et al. Nat Genet. 2016 Oct;48(10):1112-8; Rhee et al. Sci Rep. 2017 May 10;7(1):1653). Direct evidence for this alteration is unavailable, however premature termination codons are typically deleterious in nature. This variant is considered to be rare based on population cohorts in the Genome Aggregation Database (gnomAD). Based on the majority of available evidence to date, this variant is likely to be pathogenic.

NM_005431.2(XRCC2):c.26_27del (p.Glu9fs)

Gene: XRCC2 (X-ray repair cross complementing 2; minus strand). Cytogenetic location: 7q36.1.
Variant type: Deletion.
Coding change: c.26_27del on transcript NM_005431.2 (MANE Select); coding-DNA positions 26 to 27, 2 bases deleted (AG; older notation c.26_27delAG).
Protein change: p.Glu9fs; shifts the reading frame from glutamic acid 9.
Molecular consequence: frameshift variant.
Genome position (GRCh38, 1-based): chr7:152,676,053-152,676,054, CT deleted on the plus strand (AG on the coding strand, the reverse complement: XRCC2 is on the minus strand); deleting any 2 consecutive bases within chr7:152,676,053-152,676,055 gives the same sequence; the c. name uses the placement nearest the transcript's 3' end. VCF-style (leftmost placement, unchanged base first): chr7-152676052-ACT-A. GRCh37 (hg19) VCF-style: chr7-152373137-ACT-A.
Other names: short protein forms E9fs.
Identifiers: ClinVar variation 1793662 (VCV001793662.2), dbSNP rs2485915620, ClinGen allele CA2580077733.